The following is an entry in ClinVar:

ClinVar aggregate classification (germline): Conflicting classifications of pathogenicity. Review status: criteria provided, conflicting classifications (1 of 4 stars). 3 submissions from 3 submitters: Uncertain significance (1); Likely benign (1). 1 of the submissions does not count toward it. Last evaluated 2026-01-24.

Conditions:
Primary ciliary dyskinesia. Also called: Ciliary dyskinesia. Identifiers: Orphanet 244, MedGen C0008780, MONDO:0016575, HP:0012265.

Allele frequency attached by ClinVar (database versions not stated): ExAC 0.00002; gnomAD 0.00002 and 0.00003; gnomAD exomes 0.00002 and 0.00003; TOPMed 0.00002.
gnomAD v4.1: 52 of 1,613,856 alleles (0.0032%); highest among the groups gnomAD compares: Middle Eastern, 0.016%; no homozygotes.

Submissions (3):

Labcorp Genetics (formerly Invitae), Labcorp
Classification: Likely benign for Primary ciliary dyskinesia. Last evaluated: 2026-01-24. Review status: criteria provided, single submitter. Criteria: Invitae Variant Classification Sherloc (09022015). Collection method: clinical testing. Allele origin: germline.

Ambry Genetics
Classification: Uncertain significance for Primary ciliary dyskinesia. Last evaluated: 2014-12-11. Review status: criteria provided, single submitter. Criteria: Ambry Variant Classification Scheme 2023. Collection method: clinical testing. Allele origin: germline.
Comment: The p.T1627M variant (also known as c.4880C>T), located in coding exon 30 of the DNAH5 gene, results from a C to T substitution at nucleotide position 4880. The threonine at codon 1627 is replaced by methionine, an amino acid with similar properties. This variant was not reported in population based cohorts in the following databases: Database of Single Nucleotide Polymorphisms (dbSNP), NHLBI Exome Sequencing Project (ESP), and 1000 Genomes Project. In the ESP, this variant was not observed in 6503 samples (13006 alleles) with coverage at this position. This amino acid position is not well conserved in available vertebrate species. In addition, this alteration is predicted to be tolerated by in silico analysis. Since supporting evidence is limited at this time, the clinical significance of this variant remains unclear.

Natera, Inc.
Classification: Uncertain significance for Primary ciliary dyskinesia. Last evaluated: 2020-10-19. Review status: no assertion criteria provided. Collection method: clinical testing. Allele origin: germline. Not counted in ClinVar's aggregate classification.

NM_001369.3(DNAH5):c.4880C>T (p.Thr1627Met)

Genes: DNAH5 (dynein axonemal heavy chain 5; minus strand), LOC126807318 (MED14-independent group 3 enhancer GRCh37_chr5:13858976-13860175; plus strand). Cytogenetic location: 5p15.2.
Variant type: single nucleotide variant.
Coding change: c.4880C>T on transcript NM_001369.3 (MANE Select); coding-DNA position 4880, C replaced by T.
Protein change: p.Thr1627Met; replaces threonine 1627 with methionine.
Molecular consequence: missense variant.
Genome position (GRCh38, 1-based): chr5:13,859,522, G>A on the plus strand (C>T on the coding strand, the complement: DNAH5 is on the minus strand). VCF-style: chr5-13859522-G-A. GRCh37 (hg19) VCF-style: chr5-13859631-G-A.
Other names: short protein forms T1627M.
Identifiers: ClinVar variation 861621 (VCV000861621.12), dbSNP rs745381842, ClinGen allele CA3203853.